The following is an entry in ClinVar:

GRCh38/hg38 11q25(chr11:134511738-134841778)x3

Genes: LINC02706 (long intergenic non-protein coding RNA 2706; plus strand), LINC02714 (long intergenic non-protein coding RNA 2714; plus strand), LOC121392954 (Sharpr-MPRA regulatory region 2456; plus strand), LOC126861407 (BRD4-independent group 4 enhancer GRCh37_chr11:134617746-134618945; plus strand), LOC132089908 (Neanderthal introgressed variant-containing enhancer experimental_19765; plus strand). Cytogenetic location: 11q25.
Variant type: copy number gain.
Change: copy number 3 (three copies instead of two) of chr11:134,511,738-134,841,778 (330.0 kb, GRCh38 coordinates, 1-based), cytogenetic band 11q25.
Identifiers: ClinVar variation 161004 (VCV000161004.1).

ClinVar aggregate classification (germline): Benign (1 of 4 stars; one submission).

Submission:

ISCA site 4
Classification: Benign. Last evaluated: 2011-08-12. Review status: criteria provided, single submitter. Criteria: Kaminsky et al. (Genet Med. 2011). Collection method: clinical testing. Allele origin: unknown. Affected: yes. Observed: 1 variant allele.
Comment: Copy number variation identified through the course of routine clinical cytogenomic testing in postnatal populations. Clinical assertions have been curated as described in Kaminsky et al. 2011.